The following is an entry in ClinVar:

ClinVar aggregate classification (germline): Uncertain significance. Review status: criteria provided, multiple submitters, no conflicts (2 of 4 stars). 3 submissions from 3 submitters: Uncertain significance (3). Last evaluated 2025-12-06.

Conditions:
Inborn genetic diseases. Identifiers: MedGen C0950123, MeSH D030342.

Allele frequency attached by ClinVar (database versions not stated): gnomAD 0.00001 and 0.00003; 1000 Genomes Project 30x 0.00016; TOPMed 0.00002; 1000 Genomes Project 0.00020; gnomAD exomes 0.00004 and 0.00002; ExAC 0.00003.

Submissions (3):

Labcorp Genetics (formerly Invitae), Labcorp
Classification: Uncertain significance. Last evaluated: 2025-12-06. Review status: criteria provided, single submitter. Criteria: Invitae Variant Classification Sherloc (09022015). Collection method: clinical testing. Allele origin: germline.
Comment: This sequence change replaces arginine, which is basic and polar, with cysteine, which is neutral and slightly polar, at codon 230 of the SAMD9 protein (p.Arg230Cys). This variant is present in population databases (rs530971102, gnomAD 0.02%). This missense change has been observed in individual(s) with MIRAGE syndrome (internal data). This missense change has been observed in at least one individual who was not affected with SAMD9-related conditions (internal data). ClinVar contains an entry for this variant (Variation ID: 1353048). Invitae Evidence Modeling of protein sequence and biophysical properties (such as structural, functional, and spatial information, amino acid conservation, physicochemical variation, residue mobility, and thermodynamic stability) has been performed for this missense variant. However, the output from this modeling did not meet the statistical confidence thresholds required to predict the impact of this variant on SAMD9 protein function. In summary, the available evidence is currently insufficient to determine the role of this variant in disease. Therefore, it has been classified as a Variant of Uncertain Significance.

Ambry Genetics
Classification: Uncertain significance for Inborn genetic diseases. Last evaluated: 2024-12-09. Review status: criteria provided, single submitter. Criteria: Ambry Variant Classification Scheme 2023. Collection method: clinical testing. Allele origin: germline.
Comment: The p.R230C variant (also known as c.688C>T), located in coding exon 1 of the SAMD9 gene, results from a C to T substitution at nucleotide position 688. The arginine at codon 230 is replaced by cysteine, an amino acid with highly dissimilar properties. This amino acid position is conserved. In addition, the in silico prediction for this alteration is inconclusive. Based on the available evidence, the clinical significance of this variant remains unclear.

GeneDx
Classification: Uncertain significance. Last evaluated: 2023-05-25. Review status: criteria provided, single submitter. Criteria: GeneDx Variant Classification Process June 2021. Collection method: clinical testing. Allele origin: germline.
Comment: In silico analysis supports that this missense variant has a deleterious effect on protein structure/function; Has not been previously published as pathogenic or benign to our knowledge; This variant is associated with the following publications: (PMID: 28545555)

NM_017654.4(SAMD9):c.688C>T (p.Arg230Cys)

Gene: SAMD9 (sterile alpha motif domain containing 9; minus strand). Cytogenetic location: 7q21.2.
Variant type: single nucleotide variant.
Coding change: c.688C>T on transcript NM_017654.4 (MANE Select); coding-DNA position 688, C replaced by T.
Protein change: p.Arg230Cys; replaces arginine 230 with cysteine.
Molecular consequence: missense variant.
Genome position (GRCh38, 1-based): chr7:93,105,410, G>A on the plus strand (C>T on the coding strand, the complement: SAMD9 is on the minus strand). VCF-style: chr7-93105410-G-A. GRCh37 (hg19) VCF-style: chr7-92734723-G-A.
Other names: c.688C>T, p.Arg230Cys (NM_001193307.2); short protein forms R230C.
Identifiers: ClinVar variation 1353048 (VCV001353048.9), dbSNP rs530971102, ClinGen allele CA4343091.
Genomic context (GRCh38, chr7:93,105,410, plus strand): 5'-TGCCAACAATTTTCCCATGGGGTTTGTCTTTGACTCCAAAATGAATAGTGCCATTGGTAC[G>A]TGAATTCATACAAGCTGAAGCAAATCGGAAAACCTCATTGCTAAATTTCATCTTGACATC-3'
Protein context (NP_060124.2, residues 220-240): FRFASACMNS[Arg230Cys]TNGTIHFGVK